The following is an entry in ClinVar:

NM_000444.6(PHEX):c.481dup (p.Arg161fs)

Gene: PHEX (phosphate regulating endopeptidase X-linked; plus strand). Cytogenetic location: Xp22.11.
Variant type: Duplication.
Coding change: c.481dup on transcript NM_000444.6 (MANE Select); coding-DNA position 481, one base duplicated (C; older notation c.481dupC).
Protein change: p.Arg161fs; shifts the reading frame from arginine 161.
Molecular consequence: frameshift variant.
Genome position (GRCh38, 1-based): chrX:22,077,520, C duplicated. VCF-style (leftmost placement, unchanged base first): chrX-22077519-A-AC. GRCh37 (hg19) VCF-style: chrX-22095637-A-AC.
Other names: c.481dup, p.Arg161fs (NM_001282754.2); short protein forms R161fs.
Identifiers: ClinVar variation 805129 (VCV000805129.1), dbSNP rs1602274746, ClinGen allele CA915950844.

ClinVar aggregate classification (germline): Pathogenic (1 of 4 stars; one submission).

Submission:

Athena Diagnostics
Classification: Pathogenic. Last evaluated: 2019-05-22. Review status: criteria provided, single submitter. Criteria: Athena Diagnostics Criteria. Collection method: clinical testing. Allele origin: germline.
Comment: The variant results in a shift of the reading frame, and is therefore predicted to result in the loss of a functional protein. Found in at least one symptomatic patient, and not found in general population data.